The following is an entry in ClinVar:

ClinVar aggregate classification (germline): Pathogenic (1 of 4 stars; one submission).

Submission:

Labcorp Genetics (formerly Invitae), Labcorp
Classification: Pathogenic. Last evaluated: 2023-08-04. Review status: criteria provided, single submitter. Criteria: Invitae Variant Classification Sherloc (09022015). Collection method: clinical testing. Allele origin: germline.
Comment: This variant is a gross deletion of the genomic region encompassing exon(s) 30 of the MYO3A gene. This deletion is out-of-frame, and is expected to create a premature termination codon and result in an absent or disrupted protein product. Loss-of-function variants in MYO3A are known to be pathogenic (PMID: 12032315, 23990876). This variant has not been reported in the literature in individuals affected with MYO3A-related conditions. For these reasons, this variant has been classified as Pathogenic.

Literature cited by the submitters: PubMed 12032315; PubMed 23990876.

NC_000010.10:g.(?_26462572)_(26463506_?)del

Gene: MYO3A (myosin IIIA; plus strand). Cytogenetic location: 10p12.1.
Variant type: Deletion.
Identifiers: ClinVar variation 1460150 (VCV001460150.5).